The following is an entry in ClinVar:

NM_032575.3(GLIS2):c.651C>T (p.Asn217=)

Gene: GLIS2 (GLIS family zinc finger 2; plus strand). Cytogenetic location: 16p13.3.
Variant type: single nucleotide variant.
Coding change: c.651C>T on transcript NM_032575.3 (MANE Select); coding-DNA position 651, C replaced by T.
Protein change: p.Asn217=; no amino-acid change (asparagine 217 retained).
Molecular consequence: synonymous variant.
Genome position (GRCh38, 1-based): chr16:4,335,188, C>T. VCF-style: chr16-4335188-C-T. GRCh37 (hg19) VCF-style: chr16-4385189-C-T.
Other names: c.651C>T, p.Asn217= (NM_001318918.2).
Identifiers: ClinVar variation 319213 (VCV000319213.7), dbSNP rs140609747, ClinGen allele CA7873062.
Genomic context (GRCh38, chr16:4,335,188, plus strand): 5'-GAAGGATGCGGGGTACTGCTGCCACTGGGAGGGCTGCGCCCGCCATGGCCGAGGTTTCAA[C>T]GCCAGGTGAGGTGGGGGAGAGAGGGGTAGAGGGAGGACTGGGGTCTCCAGTGAGCTGAGC-3'
Protein context (NP_115964.2, residues 207-227): EGCARHGRGF[Asn217=]ARYKMLIHIR

ClinVar aggregate classification (germline): Uncertain significance. Review status: criteria provided, single submitter (1 of 4 stars). 2 submissions from 2 submitters: Uncertain significance (1). 1 of the submissions does not count toward it. Last evaluated 2018-01-13.

Conditions:
GLIS2-related disorder. Also called: GLIS2-related condition.
Nephronophthisis 7 (NPHP7). Identifiers: Orphanet 655, MedGen C1969092, MONDO:0012680, OMIM 611498.

Allele frequency attached by ClinVar (database versions not stated): 1000 Genomes Project 30x 0.00031; 1000 Genomes Project 0.00040; ESP Exome Variant Server 0.00008; TOPMed 0.00008; gnomAD 0.00011 and 0.00013; gnomAD exomes 0.00012 and 0.00018; ExAC 0.00015.
gnomAD v4.1: 274 of 1,613,504 alleles (0.017%); highest among the groups gnomAD compares: East Asian, 0.51%; 4 homozygotes.

Submissions (2):

Illumina Laboratory Services, Illumina
Classification: Uncertain significance for Nephronophthisis 7. Last evaluated: 2018-01-13. Review status: criteria provided, single submitter. Criteria: ICSL Variant Classification Criteria 13 December 2019. Collection method: clinical testing. Allele origin: germline.

PreventionGenetics, part of Exact Sciences
Classification: Likely benign for GLIS2-related condition. Last evaluated: 2020-06-05. Review status: no assertion criteria provided. Collection method: clinical testing. Allele origin: germline. Not counted in ClinVar's aggregate classification.
Comment: This variant is classified as likely benign based on ACMG/AMP sequence variant interpretation guidelines (Richards et al. 2015 PMID: 25741868, with internal and published modifications).